The following is an entry in ClinVar:

ClinVar aggregate classification (germline): Uncertain significance (1 of 4 stars; one submission).

Conditions:
Werner syndrome (WRN). Identifiers: Orphanet 902, MedGen C0043119, MONDO:0010196, OMIM 277700.

Submission:

Labcorp Genetics (formerly Invitae), Labcorp
Classification: Uncertain significance for Werner syndrome. Last evaluated: 2017-11-27. Review status: criteria provided, single submitter. Criteria: Invitae Variant Classification Sherloc (09022015). Collection method: clinical testing. Allele origin: germline.
Comment: In summary, the available evidence is currently insufficient to determine the role of this variant in disease. Therefore, it has been classified as a Variant of Uncertain Significance. Algorithms developed to predict the effect of missense changes on protein structure and function (SIFT, PolyPhen-2, Align-GVGD) all suggest that this variant is likely to be tolerated, but these predictions have not been confirmed by published functional studies and their clinical significance is uncertain. This variant has not been reported in the literature in individuals with WRN-related disease. This variant is not present in population databases (ExAC no frequency). This sequence change replaces isoleucine with valine at codon 229 of the WRN protein (p.Ile229Val). The isoleucine residue is weakly conserved and there is a small physicochemical difference between isoleucine and valine.

NM_000553.6(WRN):c.685A>G (p.Ile229Val)

Gene: WRN (WRN RecQ like helicase; plus strand). Cytogenetic location: 8p12.
Variant type: single nucleotide variant.
Coding change: c.685A>G on transcript NM_000553.6 (MANE Select); coding-DNA position 685, A replaced by G.
Protein change: p.Ile229Val; replaces isoleucine 229 with valine.
Molecular consequence: missense variant.
Genome position (GRCh38, 1-based): chr8:31,068,288, A>G. VCF-style: chr8-31068288-A-G. GRCh37 (hg19) VCF-style: chr8-30925804-A-G.
Other names: short protein forms I229V.
Identifiers: ClinVar variation 528162 (VCV000528162.4), dbSNP rs1554519444, ClinGen allele CA370917017.